The following is an entry in ClinVar:

NM_001244705.2(CSAD):c.198A>G (p.Ser66=)

Gene: CSAD (cysteine sulfinic acid decarboxylase; minus strand). Cytogenetic location: 12q13.13.
Variant type: single nucleotide variant.
Coding change: c.198A>G on transcript NM_001244705.2 (MANE Select); coding-DNA position 198, A replaced by G.
Protein change: p.Ser66=; no amino-acid change (serine 66 retained).
Molecular consequence: synonymous variant.
Genome position (GRCh38, 1-based): chr12:53,172,577, T>C on the plus strand (A>G on the coding strand, the complement: CSAD is on the minus strand). VCF-style: chr12-53172577-T-C. GRCh37 (hg19) VCF-style: chr12-53566361-T-C.
Other names: c.279A>G, p.Ser93= (NM_015989.5).
Identifiers: ClinVar variation 2643044 (VCV002643044.24), dbSNP rs149093823, ClinGen allele CA6594929.
Genomic context (GRCh38, chr12:53,172,577, plus strand): 5'-CCCACCAGTCTTGACACTGTAGCGAATCACAGCCCGACACCGCTCCAGGATCTGCTTCTG[T>C]GACTCGCCCTGGCTCCGCAGCTCCAAATCCAGCAGCTGCTTCAGCTCCTCAGGCTCCTTC-3'
Protein context (NP_001231634.1, residues 56-76): LDLELRSQGE[Ser66=]QKQILERCRA

ClinVar aggregate classification (germline): Likely benign (1 of 4 stars; one submission).

Allele frequency attached by ClinVar (database versions not stated): ESP Exome Variant Server 0.00015; 1000 Genomes Project 0.00020; TOPMed 0.00020; gnomAD 0.00022; gnomAD exomes 0.00023; 1000 Genomes Project 30x 0.00031; ExAC 0.00040.
gnomAD v4.1: 364 of 1,612,962 alleles (0.023%); highest among the groups gnomAD compares: Non-Finnish European, 0.027%; no homozygotes.

Submission:

CeGaT Center for Human Genetics Tuebingen
Classification: Likely benign. Last evaluated: 2022-09-01. Review status: criteria provided, single submitter. Criteria: CeGaT Center For Human Genetics Tuebingen Variant Classification Criteria Version 2. Collection method: clinical testing. Allele origin: germline. Affected: yes. Observed: 1 variant allele.
Comment: CSAD: BP4, BP7